The following is an entry in ClinVar:

ClinVar aggregate classification (germline): Uncertain significance (1 of 4 stars; one submission).

Submission:

Ambry Genetics
Classification: Uncertain significance. Last evaluated: 2023-06-21. Review status: criteria provided, single submitter. Criteria: Ambry Variant Classification Scheme 2023. Collection method: clinical testing. Allele origin: germline.
Comment: The p.P1643L variant (also known as c.4928C>T), located in coding exon 4 of the ALPK2 gene, results from a C to T substitution at nucleotide position 4928. The proline at codon 1643 is replaced by leucine, an amino acid with similar properties. This amino acid position is conserved. In addition, this alteration is predicted to be tolerated by in silico analysis. Since supporting evidence is limited at this time, the clinical significance of this alteration remains unclear.

NM_052947.4(ALPK2):c.4928C>T (p.Pro1643Leu)

Gene: ALPK2 (alpha kinase 2; minus strand). Cytogenetic location: 18q21.31.
Variant type: single nucleotide variant.
Coding change: c.4928C>T on transcript NM_052947.4 (MANE Select); coding-DNA position 4928, C replaced by T.
Protein change: p.Pro1643Leu; replaces proline 1643 with leucine.
Molecular consequence: missense variant.
Genome position (GRCh38, 1-based): chr18:58,535,259, G>A on the plus strand (C>T on the coding strand, the complement: ALPK2 is on the minus strand). VCF-style: chr18-58535259-G-A. GRCh37 (hg19) VCF-style: chr18-56202491-G-A.
Other names: short protein forms P1643L.
Identifiers: ClinVar variation 2624508 (VCV002624508.2), dbSNP rs2518873810, ClinGen allele CA402559232.